The following is an entry in ClinVar:

ClinVar aggregate classification (germline): Likely benign. Review status: criteria provided, single submitter (1 of 4 stars). 2 submissions from 2 submitters: Likely benign (1). 1 of the submissions does not count toward it. Last evaluated 2024-10-01.

Conditions:
KDM3B-related disorder. Also called: KDM3B-related condition.

Allele frequency attached by ClinVar (database versions not stated): gnomAD exomes 0.00013; ExAC 0.00014; 1000 Genomes Project 0.00020; TOPMed 0.00028; gnomAD 0.00029; 1000 Genomes Project 30x 0.00031; ESP Exome Variant Server 0.00031.
gnomAD v4.1: 247 of 1,613,854 alleles (0.015%); highest among the groups gnomAD compares: Middle Eastern, 0.083%; no homozygotes.

Submissions (2):

CeGaT Center for Human Genetics Tuebingen
Classification: Likely benign. Last evaluated: 2024-10-01. Review status: criteria provided, single submitter. Criteria: CeGaT Center For Human Genetics Tuebingen Variant Classification Criteria Version 2. Collection method: clinical testing. Allele origin: germline. Affected: yes. Observed: 1 variant allele.
Comment: KDM3B: BP4, BP7

PreventionGenetics, part of Exact Sciences
Classification: Likely benign for KDM3B-related condition. Last evaluated: 2022-02-11. Review status: no assertion criteria provided. Collection method: clinical testing. Allele origin: germline. Not counted in ClinVar's aggregate classification.
Comment: This variant is classified as likely benign based on ACMG/AMP sequence variant interpretation guidelines (Richards et al. 2015 PMID: 25741868, with internal and published modifications).

NM_016604.4(KDM3B):c.4419A>G (p.Leu1473=)

Gene: KDM3B (lysine demethylase 3B; plus strand). Cytogenetic location: 5q31.2.
Variant type: single nucleotide variant.
Coding change: c.4419A>G on transcript NM_016604.4 (MANE Select); coding-DNA position 4419, A replaced by G.
Protein change: p.Leu1473=; no amino-acid change (leucine 1473 retained).
Molecular consequence: synonymous variant.
Genome position (GRCh38, 1-based): chr5:138,426,982, A>G. VCF-style: chr5-138426982-A-G. GRCh37 (hg19) VCF-style: chr5-137762671-A-G.
Identifiers: ClinVar variation 3042492 (VCV003042492.16), dbSNP rs140460299, ClinGen allele CA3429458.
Genomic context (GRCh38, chr5:138,426,982, plus strand): 5'-TCGGACACCAGCCAAACCAGCAGATGTTTGTGGGAGTATTCTCTGTCTTCCAGAACGACT[A>G]CGGTCAGAAGATGGGCAGCCAATGGTGCTCAAACTCAAGGACTGGCCTCCTGGGGAAGAT-3'
Protein context (NP_057688.3, residues 1463-1483): WDGFEIICKR[Leu1473=]RSEDGQPMVL